The following is an entry in ClinVar:

ClinVar aggregate classification (germline): Likely pathogenic (1 of 4 stars; one submission).

Conditions:
Immunodeficiency, common variable, 2 (CVID2). Also called: HYPOGAMMAGLOBULINEMIA DUE TO TACI DEFICIENCY; ANTIBODY DEFICIENCY DUE TO TACI DEFECT. Identifiers: Orphanet 1572, MedGen C3150354, MONDO:0009413, OMIM 240500.

Submission:

Centre for Mendelian Genomics, University Medical Centre Ljubljana
Classification: Likely pathogenic for Immunodeficiency, common variable, 2. Last evaluated: 2019-01-24. Review status: criteria provided, single submitter. Criteria: ACMG Guidelines, 2015. Collection method: clinical testing. Allele origin: unknown. Affected: yes.
Comment: This variant was classified as: Likely pathogenic. The following ACMG criteria were applied in classifying this variant: PVS1,PM2.

NM_001006658.3(CR2):c.2334T>A (p.Cys778Ter)

Gene: CR2 (complement C3d receptor 2; plus strand). Cytogenetic location: 1q32.2.
Variant type: single nucleotide variant.
Coding change: c.2334T>A on transcript NM_001006658.3 (MANE Select); coding-DNA position 2334, T replaced by A.
Protein change: p.Cys778Ter; replaces cysteine 778 with a stop codon.
Molecular consequence: nonsense.
Genome position (GRCh38, 1-based): chr1:207,474,834, T>A. VCF-style: chr1-207474834-T-A. GRCh37 (hg19) VCF-style: chr1-207648179-T-A.
Other names: c.2157T>A, p.Cys719Ter (NM_001877.5); short protein forms C719*, C778*.
Identifiers: ClinVar variation 930314 (VCV000930314.3), dbSNP rs1658388636, ClinGen allele CA344537470.